The following is an entry in ClinVar:

NM_001172509.2(SATB2):c.1778G>A (p.Ser593Asn)

Genes: SATB2 (SATB homeobox 2; minus strand), LOC126806462 (MED14-independent group 3 enhancer GRCh37_chr2:200136608-200137807; plus strand). Cytogenetic location: 2q33.1.
Variant type: single nucleotide variant.
Coding change: c.1778G>A on transcript NM_001172509.2 (MANE Select); coding-DNA position 1778, G replaced by A.
Protein change: p.Ser593Asn; replaces serine 593 with asparagine.
Molecular consequence: missense variant.
Genome position (GRCh38, 1-based): chr2:199,272,635, C>T on the plus strand (G>A on the coding strand, the complement: SATB2 is on the minus strand). VCF-style: chr2-199272635-C-T. GRCh37 (hg19) VCF-style: chr2-200137358-C-T.
Other names: c.1778G>A, p.Ser593Asn (NM_001172517.1, NM_015265.4); c.1778G>A (NM_015265.3); short protein forms S593N.
Identifiers: ClinVar variation 1087474 (VCV001087474.10), dbSNP rs751007411, ClinGen allele CA2045797.
Genomic context (GRCh38, chr2:199,272,635, plus strand): 5'-TTGGCACAACTGTCTTCAGTCGGAGGAGGTGGGGGAGGCGCTTCTTCTCTGGGAGGGGAA[C>T]TCTCCTTGGCTGGCTGAGACTGCTGTCTATGAAGTACCTGATAATTAAGAGAGAAAAAAA-3'
Protein context (NP_001165980.1, residues 583-603): HRQQSQPAKE[Ser593Asn]SPPREEAPPP

ClinVar aggregate classification (germline): Likely benign. Review status: criteria provided, single submitter (1 of 4 stars). 2 submissions from 2 submitters: Likely benign (1). 1 of the submissions does not count toward it. Last evaluated 2025-02-05.

Conditions:
SATB2-related disorder. Also called: SATB2-related condition.
Chromosome 2q32-q33 deletion syndrome (GLASS). Also called: Glass syndrome; 2q33.1 deletion syndrome. Identifiers: Orphanet 251019, MedGen C2676739, MONDO:0012864, OMIM 612313.

Allele frequency attached by ClinVar (database versions not stated): gnomAD 0.00001; TOPMed 0.00002; gnomAD exomes 0.00003 and 0.00006; ExAC 0.00004.
gnomAD v4.1: 44 of 1,613,976 alleles (0.0027%); highest among the groups gnomAD compares: East Asian, 0.098%; no homozygotes.

Submissions (2):

Labcorp Genetics (formerly Invitae), Labcorp
Classification: Likely benign for Chromosome 2q32-q33 deletion syndrome. Last evaluated: 2025-02-05. Review status: criteria provided, single submitter. Criteria: Invitae Variant Classification Sherloc (09022015). Collection method: clinical testing. Allele origin: germline.

PreventionGenetics, part of Exact Sciences
Classification: Likely benign for SATB2-related condition. Last evaluated: 2022-01-24. Review status: no assertion criteria provided. Collection method: clinical testing. Allele origin: germline. Not counted in ClinVar's aggregate classification.
Comment: This variant is classified as likely benign based on ACMG/AMP sequence variant interpretation guidelines (Richards et al. 2015 PMID: 25741868, with internal and published modifications).